The following is an entry in ClinVar:

ClinVar aggregate classification (germline): Pathogenic (1 of 4 stars; one submission).

Submission:

GeneDx
Classification: Pathogenic. Last evaluated: 2019-01-29. Review status: criteria provided, single submitter. Criteria: GeneDx Variant Classification (06012015). Collection method: clinical testing. Allele origin: germline. Affected: yes.
Comment: The c.5720delC variant in the EP300 gene has not been reported previously as a pathogenic variant nor as a benign variant, to our knowledge. The c.5720delC variant causes a frameshift starting with codon Proline 1907, changes this amino acid to a Leucine residue, and creates a premature Stop codon at position 53 of the new reading frame, denoted p.Pro1907LeufsX53. This variant is predicted to cause loss of normal protein function through protein truncation. The c.5720delC variant is not observed in large population cohorts (Lek et al., 2016). We interpret c.5720delC as a pathogenic variant.

NM_001429.4(EP300):c.5720del (p.Pro1907fs)

Gene: EP300 (E1A binding protein p300; plus strand). Cytogenetic location: 22q13.2.
Variant type: Deletion.
Coding change: c.5720del on transcript NM_001429.4 (MANE Select); coding-DNA position 5720, one base deleted (C; older notation c.5720delC).
Protein change: p.Pro1907fs; shifts the reading frame from proline 1907.
Molecular consequence: frameshift variant.
Genome position (GRCh38, 1-based): chr22:41,177,431, C deleted; the last of 4 consecutive C bases (chr22:41,177,428-41,177,431); deleting any one gives the same sequence. VCF-style (leftmost placement, unchanged base first): chr22-41177427-AC-A. GRCh37 (hg19) VCF-style: chr22-41573431-AC-A.
Other names: c.5642del, p.Pro1881fs (NM_001362843.2); short protein forms P1881fs, P1907fs.
Identifiers: ClinVar variation 817399 (VCV000817399.1), dbSNP rs1601640325, ClinGen allele CA915951520.
Genomic context (GRCh38, chr22:41,177,427, plus strand): 5'-TACTTGCCCAGGACTCAAGCTGCTGGCCCTGTGTCCCAGGGTAAGGCAGCAGGCCAGGTG[AC>A]CCCTCCAACCCCTCCTCAGACTGCTCAGCCACCCCTTCCAGGGCCCCCACCTGCAGCAGT-3'